The following is an entry in ClinVar:

ClinVar aggregate classification (germline): Uncertain significance (1 of 4 stars; one submission).

Conditions:
Sandhoff disease. Also called: Beta-hexosaminidase-beta-subunit deficiency; GM2 gangliosidosis, type 2; Total hexosaminidase deficiency; Sandhoff-Jatzkewitz-Pilz disease; GM2-GANGLIOSIDOSIS, TYPE II; HEXOSAMINIDASES A AND B DEFICIENCY. Identifiers: Orphanet 796, MedGen C0036161, MONDO:0010006, OMIM 268800.

Submission:

Labcorp Genetics (formerly Invitae), Labcorp
Classification: Uncertain significance for Sandhoff disease. Last evaluated: 2022-05-13. Review status: criteria provided, single submitter. Criteria: Invitae Variant Classification Sherloc (09022015). Collection method: clinical testing. Allele origin: germline.
Comment: In summary, the available evidence is currently insufficient to determine the role of this variant in disease. Therefore, it has been classified as a Variant of Uncertain Significance. Advanced modeling of protein sequence and biophysical properties (such as structural, functional, and spatial information, amino acid conservation, physicochemical variation, residue mobility, and thermodynamic stability) performed at Invitae indicates that this missense variant is expected to disrupt HEXB protein function. This variant has not been reported in the literature in individuals affected with HEXB-related conditions. This variant is not present in population databases (gnomAD no frequency). This sequence change replaces alanine, which is neutral and non-polar, with aspartic acid, which is acidic and polar, at codon 227 of the HEXB protein (p.Ala227Asp).

NM_000521.4(HEXB):c.680C>A (p.Ala227Asp)

Gene: HEXB (hexosaminidase subunit beta; plus strand). Cytogenetic location: 5q13.3.
Variant type: single nucleotide variant.
Coding change: c.680C>A on transcript NM_000521.4 (MANE Select); coding-DNA position 680, C replaced by A.
Protein change: p.Ala227Asp; replaces alanine 227 with aspartic acid.
Molecular consequence: missense variant.
Genome position (GRCh38, 1-based): chr5:74,705,229, C>A. VCF-style: chr5-74705229-C-A. GRCh37 (hg19) VCF-style: chr5-74001054-C-A.
Other names: c.5C>A, p.Ala2Asp (NM_001292004.2); short protein forms A227D, A2D.
Identifiers: ClinVar variation 2123912 (VCV002123912.3), dbSNP rs2478731998, ClinGen allele CA360065578.